The following is an entry in ClinVar:

ClinVar aggregate classification (germline): Pathogenic (1 of 4 stars; one submission).

Conditions:
Ataxia-telangiectasia syndrome (AT). Also called: Cerebello-oculocutaneous telangiectasia; Immunodeficiency with ataxia telangiectasia; Ataxia-telangiectasia, complementation group D; AT, COMPLEMENTATION GROUP C; Ataxia-telangiectasia, complementation group E; LOUIS-BAR SYNDROME. Identifiers: Orphanet 100, MedGen C0004135, MONDO:0008840, OMIM 208900.

Submission:

Labcorp Genetics (formerly Invitae), Labcorp
Classification: Pathogenic for Ataxia-telangiectasia syndrome. Last evaluated: 2019-08-04. Review status: criteria provided, single submitter. Criteria: Invitae Variant Classification Sherloc (09022015). Collection method: clinical testing. Allele origin: germline.
Comment: This variant is a gross deletion of the genomic region encompassing exons 62-63 of the ATM gene. The 5' boundary is likely confined to intron 61. The 3' end of this event is unknown as it extends through the termination codon beyond the assayed region for this gene and may encompass additional genes. While this is not anticipated to result in nonsense mediated decay, it is expected to delete the last 106 amino acids of the ATM protein. Deletions encompassing exons 62-63 of ATM have been reported in several individuals with ataxia-telangiectasia, some of whom were homozygous for this variant (PMID: 9443866, 9792409,25614872). In addition, this variant has been observed in individuals with breast cancer (PMID: 25428789, 26681312). This variant is also known as a deletion of exons 64-65 in the literature. A missense change in exon 63 (p.Arg3008Cys) and a deletion encompassing exon 63 have been determined to be pathogenic (PMID: 9872980, 12552566, 23807571). This suggests that exon 63 is critical for ATM protein function. For these reasons, this deletion has been classified as Pathogenic.

Literature cited by the submitters: PubMed 12552566; PubMed 9443866; PubMed 25614872; PubMed 26681312; PubMed 23807571; PubMed 9872980; PubMed 25428789; PubMed 9792409.

NC_000011.10:g.(?_108365076)_(108365514_?)del

Genes: ATM (ATM serine/threonine kinase; plus strand), C11orf65 (chromosome 11 open reading frame 65; minus strand). Cytogenetic location: 11q22.3.
Variant type: Deletion.
Identifiers: ClinVar variation 453346 (VCV000453346.2).